The following is an entry in ClinVar:

ClinVar aggregate classification (germline): Pathogenic (1 of 4 stars; one submission).

Conditions:
Microcephaly, developmental delay, and brittle hair syndrome. Identifiers: MedGen C5394425, MONDO:0030047, OMIM 618891.

Submission:

Women's Health and Genetics/Laboratory Corporation of America, LabCorp
Classification: Pathogenic for Microcephaly, developmental delay, and brittle hair syndrome. Last evaluated: 2023-08-18. Review status: criteria provided, single submitter. Criteria: LabCorp Variant Classification Summary - May 2015. Collection method: clinical testing. Allele origin: germline.
Comment: Variant summary: CARS/CARS1 c.234_237delins12 (p.Ser79LysfsX58) results in a premature termination codon, predicted to cause a truncation of the encoded protein or absence of the protein due to nonsense mediated decay, which are known mechanisms for disease (PMID: 30824121). The variant was absent in 247546 control chromosomes. To our knowledge, no occurrence of c.234_237delins12 in individuals affected with Microcephaly, Developmental Delay, And Brittle Hair Syndrome and no experimental evidence demonstrating its impact on protein function have been reported. No submitters have cited clinical-significance assessments for this variant to ClinVar after 2014. Based on the evidence outlined above, the variant was classified as pathogenic.

NM_001014437.3(CARS1):c.234_237delinsCAAAGGAGCTTT (p.Ser79fs)

Gene: CARS1 (cysteinyl-tRNA synthetase 1; minus strand). Cytogenetic location: 11p15.4.
Variant type: Indel.
Coding change: c.234_237delinsCAAAGGAGCTTT on transcript NM_001014437.3 (MANE Select); coding-DNA positions 234 to 237, TAGC replaced by CAAAGGAGCTTT.
Protein change: p.Ser79fs; shifts the reading frame from serine 79.
Molecular consequence: frameshift variant. On other transcripts: 5 prime UTR variant (1), non-coding transcript variant (2), intron variant (5).
Genome position (GRCh38, 1-based): chr11:3,047,790-3,047,793, GCTA replaced by AAAGCTCCTTTG on the plus strand (TAGC replaced by CAAAGGAGCTTT on the coding strand, the reverse complement: CARS1 is on the minus strand). VCF-style: chr11-3047790-GCTA-AAAGCTCCTTTG. GRCh37 (hg19) VCF-style: chr11-3069020-GCTA-AAAGCTCCTTTG.
Other names: c.234_237delinsCAAAGGAGCTTT, p.Ser79fs (NM_001194997.2); c.-93_-90delinsCAAAGGAGCTTT (NM_001378139.1); c.26-5537_26-5534delinsCAAAGGAGCTTT (NM_001751.6, NM_139273.4); c.-52-5537_-52-5534delinsCAAAGGAGCTTT (NM_001378137.1, NM_001378138.1); c.65-5537_65-5534delinsCAAAGGAGCTTT (NM_001378136.1); short protein forms S79fs.
Identifiers: ClinVar variation 2627365 (VCV002627365.1), dbSNP rs2494629397, ClinGen allele CA2582341856.